The following is an entry in ClinVar:

ClinVar aggregate classification (germline): Uncertain significance (1 of 4 stars; one submission).

Conditions:
Acromesomelic dysplasia 1, Maroteaux type (AMD1). Also called: ACROMESOMELIC DYSPLASIA 1; ST. HELENA DYSPLASIA. Identifiers: Orphanet 40, MedGen C1864356, MONDO:0011275, OMIM 602875.
Tall stature-scoliosis-macrodactyly of the great toes syndrome. Also called: Epiphyseal chondrodysplasia, miura type. Identifiers: Orphanet 329191, MedGen C4014690, MONDO:0014401, OMIM 615923.

Submission:

Labcorp Genetics (formerly Invitae), Labcorp
Classification: Uncertain significance for Tall stature-scoliosis-macrodactyly of the great toes syndrome; Acromesomelic dysplasia 1, Maroteaux type. Last evaluated: 2022-08-16. Review status: criteria provided, single submitter. Criteria: Invitae Variant Classification Sherloc (09022015). Collection method: clinical testing. Allele origin: germline.
Comment: In summary, the available evidence is currently insufficient to determine the role of this variant in disease. Therefore, it has been classified as a Variant of Uncertain Significance. Algorithms developed to predict the effect of missense changes on protein structure and function (SIFT, PolyPhen-2, Align-GVGD) all suggest that this variant is likely to be disruptive. ClinVar contains an entry for this variant (Variation ID: 1383774). This variant has not been reported in the literature in individuals affected with NPR2-related conditions. This variant is not present in population databases (gnomAD no frequency). This sequence change replaces aspartic acid, which is acidic and polar, with alanine, which is neutral and non-polar, at codon 894 of the NPR2 protein (p.Asp894Ala).

NM_003995.4(NPR2):c.2681A>C (p.Asp894Ala)

Gene: NPR2 (natriuretic peptide receptor 2; plus strand). Cytogenetic location: 9p13.3.
Variant type: single nucleotide variant.
Coding change: c.2681A>C on transcript NM_003995.4 (MANE Select); coding-DNA position 2681, A replaced by C.
Protein change: p.Asp894Ala; replaces aspartic acid 894 with alanine.
Molecular consequence: missense variant.
Genome position (GRCh38, 1-based): chr9:35,807,367, A>C. VCF-style: chr9-35807367-A-C. GRCh37 (hg19) VCF-style: chr9-35807364-A-C.
Other names: c.2690A>C, p.Asp897Ala (NM_001378923.1); short protein forms D897A, D894A.
Identifiers: ClinVar variation 1383774 (VCV001383774.8), dbSNP rs2132095429, ClinGen allele CA373381934.